The following is an entry in ClinVar:

ClinVar aggregate classification (germline): Uncertain significance (1 of 4 stars; one submission).

Submission:

Labcorp Genetics (formerly Invitae), Labcorp
Classification: Uncertain significance. Last evaluated: 2023-05-18. Review status: criteria provided, single submitter. Criteria: Invitae Variant Classification Sherloc (09022015). Collection method: clinical testing. Allele origin: germline.
Comment: In summary, the available evidence is currently insufficient to determine the role of this variant in disease. Therefore, it has been classified as a Variant of Uncertain Significance. Advanced modeling of protein sequence and biophysical properties (such as structural, functional, and spatial information, amino acid conservation, physicochemical variation, residue mobility, and thermodynamic stability) performed at Invitae indicates that this missense variant is not expected to disrupt SOX18 protein function. This sequence change replaces arginine, which is basic and polar, with cysteine, which is neutral and slightly polar, at codon 74 of the SOX18 protein (p.Arg74Cys). This variant is not present in population databases (gnomAD no frequency). This variant has not been reported in the literature in individuals affected with SOX18-related conditions.

NM_018419.3(SOX18):c.220C>T (p.Arg74Cys)

Gene: SOX18 (SRY-box transcription factor 18; minus strand). Cytogenetic location: 20q13.33.
Variant type: single nucleotide variant.
Coding change: c.220C>T on transcript NM_018419.3 (MANE Select); coding-DNA position 220, C replaced by T.
Protein change: p.Arg74Cys; replaces arginine 74 with cysteine.
Molecular consequence: missense variant.
Genome position (GRCh38, 1-based): chr20:64,049,297, G>A on the plus strand (C>T on the coding strand, the complement: SOX18 is on the minus strand). VCF-style: chr20-64049297-G-A. GRCh37 (hg19) VCF-style: chr20-62680650-G-A.
Other names: short protein forms R74C.
Identifiers: ClinVar variation 2865443 (VCV002865443.3), dbSNP rs1172555743, ClinGen allele CA409755578.